The following is an entry in ClinVar:

NM_001354604.2(MITF):c.1302CCT[3] (p.Leu436_Gln437insLeu)

Gene: MITF (melanocyte inducing transcription factor; plus strand). Cytogenetic location: 3p13.
Variant type: Microsatellite.
Coding change: c.1302CCT[3] on transcript NM_001354604.2 (MANE Select); three copies in a row of the 3-base unit CCT starting at c.1302; the reference has two copies in a row; one copy, 3 bases duplicated.
Protein change: p.Leu436_Gln437insLeu.
Genome position (GRCh38, 1-based): chr3:69,964,972-69,964,974, CCT duplicated; duplicating any 3 consecutive bases within chr3:69,964,969-69,964,974 gives the same sequence; the position shown is the placement nearest the transcript's 3' end. VCF-style (leftmost placement, unchanged base first): chr3-69964968-A-ACCT. GRCh37 (hg19) VCF-style: chr3-70014119-A-ACCT.
Other names: c.981CCT[3], p.Leu329_Gln330insLeu (NM_000248.4); c.1128CCT[3], p.Leu378_Gln379insLeu (NM_001184967.2, NM_001354608.2); c.1299CCT[3], p.Leu435_Gln436insLeu (NM_001354605.2); c.1281CCT[3], p.Leu429_Gln430insLeu (NM_001354606.2, NM_006722.3); c.1233CCT[3], p.Leu413_Gln414insLeu (NM_001354607.2); c.963CCT[3], p.Leu323_Gln324insLeu (NM_198158.3); c.1284CCT[3], p.Leu430_Gln431insLeu (NM_198159.3); c.1236CCT[3], p.Leu414_Gln415insLeu (NM_198177.3); and 1 more.
Identifiers: ClinVar variation 4792365 (VCV004792365.1).

ClinVar aggregate classification (germline): Uncertain significance (1 of 4 stars; one submission).

Conditions:
Melanoma, cutaneous malignant, susceptibility to, 8. Also called: MELANOMA AND RENAL CELL CARCINOMA, SUSCEPTIBILITY TO; Cutaneous malignant melanoma 8. Identifiers: Orphanet 293822, MedGen C3152204, MONDO:0013759, OMIM 614456.
Tietz syndrome (TADS). Also called: ALBINISM-DEAFNESS OF TIETZ; HYPOPIGMENTATION/DEAFNESS OF TIETZ; TIETZ ALBINISM-DEAFNESS SYNDROME. Identifiers: Orphanet 42665, MedGen C0391816, MONDO:0007077, OMIM 103500.
Waardenburg syndrome type 2A (WS2A). Also called: WAARDENBURG SYNDROME WITHOUT DYSTOPIA CANTHORUM. Identifiers: Orphanet 3440, MedGen C1860339, MONDO:0008671, OMIM 193510.

Submission:

Labcorp Genetics (formerly Invitae), Labcorp
Classification: Uncertain significance for Melanoma, cutaneous malignant, susceptibility to, 8; Waardenburg syndrome type 2A; Tietz syndrome. Last evaluated: 2025-09-10. Review status: criteria provided, single submitter. Criteria: Invitae Variant Classification Sherloc (09022015). Collection method: clinical testing. Allele origin: germline.
Comment: This variant, c.984_986dup, results in the insertion of 1 amino acid(s) of the MITF protein (p.Leu329dup), but otherwise preserves the integrity of the reading frame. This variant is not present in population databases (gnomAD no frequency). This variant has not been reported in the literature in individuals affected with MITF-related conditions. In summary, the available evidence is currently insufficient to determine the role of this variant in disease. Therefore, it has been classified as a Variant of Uncertain Significance.